The following is an entry in ClinVar:

ClinVar aggregate classification (germline): Pathogenic/Likely pathogenic. Review status: criteria provided, multiple submitters, no conflicts (2 of 4 stars). 4 submissions from 4 submitters: Pathogenic (2); Likely pathogenic (1). 1 of the submissions does not count toward it. Last evaluated 2023-05-15.

Conditions:
Factor V deficiency. Also called: Reduced coagulation factor V activity. Identifiers: Orphanet 326, MedGen C4317320, MONDO:0020586, HP:0003225.
Congenital factor V deficiency. Also called: PARAHEMOPHILIA; Hereditary factor V deficiency disease; LABILE FACTOR DEFICIENCY; OWREN PARAHEMOPHILIA. Identifiers: Orphanet 326, MedGen C0015499, MONDO:0009210, OMIM 227400.

Allele frequency attached by ClinVar (database versions not stated): TOPMed below 0.00001; gnomAD 0.00001; ExAC 0.00002; gnomAD exomes 0.00003 and 0.00004.

Submissions (4):

Department of Pathology and Laboratory Medicine, Sinai Health System
Classification: Pathogenic for Congenital factor V deficiency. Last evaluated: 2023-05-15. Review status: criteria provided, single submitter. Criteria: ACMG Guidelines, 2015. Collection method: research. Allele origin: germline.

Labcorp Genetics (formerly Invitae), Labcorp
Classification: Pathogenic for Congenital factor V deficiency. Last evaluated: 2023-04-12. Review status: criteria provided, single submitter. Criteria: Invitae Variant Classification Sherloc (09022015). Collection method: clinical testing. Allele origin: germline.
Comment: ClinVar contains an entry for this variant (Variation ID: 627051). This variant is also known as 2952delT. This premature translational stop signal has been observed in individual(s) with autosomal recessive factor V deficiency (PMID: 11781258, 30924984). In at least one individual the data is consistent with being in trans (on the opposite chromosome) from a pathogenic variant. This variant is present in population databases (rs765982916, gnomAD 0.03%). This sequence change creates a premature translational stop signal (p.Ser955Alafs*4) in the F5 gene. It is expected to result in an absent or disrupted protein product. Loss-of-function variants in F5 are known to be pathogenic (PMID: 30924984). For these reasons, this variant has been classified as Pathogenic.

NIHR Bioresource Rare Diseases, University of Cambridge
Classification: Likely pathogenic for Congenital factor V deficiency. Last evaluated: 2019-02-01. Review status: criteria provided, single submitter. Criteria: ACMG Guidelines, 2015. Collection method: research. Allele origin: unknown. Affected: yes. Observed: 1 heterozygote. Study: ThromboGenomics.

OMIM
Classification: Pathogenic for FACTOR V DEFICIENCY. Last evaluated: 2002-01-15. Review status: no assertion criteria provided. Collection method: literature only. Allele origin: germline. Not counted in ClinVar's aggregate classification.

Literature cited by the submitters: PubMed 11781258 (cited by Labcorp Genetics (formerly Invitae), Labcorp and OMIM); PubMed 30924984 (cited by Labcorp Genetics (formerly Invitae), Labcorp); PubMed 31064749 (cited by NIHR Bioresource Rare Diseases, University of Cambridge).

NM_000130.5(F5):c.2862del (p.Ser955fs)

Gene: F5 (coagulation factor V; minus strand). Cytogenetic location: 1q24.2.
Variant type: Deletion.
Coding change: c.2862del on transcript NM_000130.5 (MANE Select); coding-DNA position 2862, one base deleted (T; older notation c.2862delT).
Protein change: p.Ser955fs; shifts the reading frame from serine 955.
Molecular consequence: frameshift variant.
Genome position (GRCh38, 1-based): chr1:169,542,228, A deleted on the plus strand (T on the coding strand, the reverse complement: F5 is on the minus strand). VCF-style (leftmost placement, unchanged base first): chr1-169542227-TA-T. GRCh37 (hg19) VCF-style: chr1-169511465-TA-T.
Other names: F5, 1-BP DEL, 2952T; c.2862delT (NM_000130.4); short protein forms S955fs.
Identifiers: ClinVar variation 627051 (VCV000627051.6), dbSNP rs765982916, ClinGen allele CA1234021.
Genomic context (GRCh38, chr1:169,542,227, plus strand): 5'-GGCTGATCAGCCAATTGTTAACAGCTGTGTCTTCATCAGTATCTTGGATTATTTCATAGC[TA>T]CCTTTCTCAGAAGCCAAATGCCATCTCCCAACCAAAATCTTAGATGAGTTACTTTGTTTT-3'